The following is an entry in ClinVar:

ClinVar aggregate classification (germline): Uncertain significance. Review status: criteria provided, multiple submitters, no conflicts (2 of 4 stars). 3 submissions from 3 submitters: Uncertain significance (3). Last evaluated 2024-11-27.

Conditions:
Spermatogenic failure 28. Identifiers: MedGen C4748117, MONDO:0054732, OMIM 618086.
Premature ovarian failure 15. Identifiers: MedGen C4748170, MONDO:0054862, OMIM 618096.
Fanconi anemia (FA). Also called: Fanconi's anemia. Identifiers: Orphanet 84, MedGen C0015625, MeSH D005199, MONDO:0019391.

Allele frequency attached by ClinVar (database versions not stated): gnomAD exomes 0.00001; TOPMed 0.00001; ExAC 0.00002.
gnomAD v4.1: 18 of 1,614,170 alleles (0.0011%); highest among the groups gnomAD compares: Non-Finnish European, 0.0015%; no homozygotes.

Submissions (3):

Labcorp Genetics (formerly Invitae), Labcorp
Classification: Uncertain significance for Fanconi anemia. Last evaluated: 2024-11-27. Review status: criteria provided, single submitter. Criteria: Invitae Variant Classification Sherloc (09022015). Collection method: clinical testing. Allele origin: germline.
Comment: This sequence change replaces lysine, which is basic and polar, with arginine, which is basic and polar, at codon 1683 of the FANCM protein (p.Lys1683Arg). This variant is present in population databases (rs763454366, gnomAD 0.003%). This variant has not been reported in the literature in individuals affected with FANCM-related conditions. ClinVar contains an entry for this variant (Variation ID: 1302380). An algorithm developed to predict the effect of missense changes on protein structure and function outputs the following: PolyPhen-2: "Benign". The arginine amino acid residue is found in multiple mammalian species, which suggests that this missense change does not adversely affect protein function. In summary, the available evidence is currently insufficient to determine the role of this variant in disease. Therefore, it has been classified as a Variant of Uncertain Significance.

GeneDx
Classification: Uncertain significance. Last evaluated: 2022-06-30. Review status: criteria provided, single submitter. Criteria: GeneDx Variant Classification Process June 2021. Collection method: clinical testing. Allele origin: germline. Affected: yes.
Comment: Not observed at a significant frequency in large population cohorts (gnomAD); In silico analysis supports that this missense variant does not alter protein structure/function; Has not been previously published as pathogenic or benign to our knowledge

Fulgent Genetics
Classification: Uncertain significance for Spermatogenic failure 28; Premature ovarian failure 15. Last evaluated: 2021-10-18. Review status: criteria provided, single submitter. Criteria: ACMG Guidelines, 2015. Collection method: clinical testing. Allele origin: unknown.

NM_020937.4(FANCM):c.5048A>G (p.Lys1683Arg)

Gene: FANCM (FA complementation group M; plus strand). Cytogenetic location: 14q21.2.
Variant type: single nucleotide variant.
Coding change: c.5048A>G on transcript NM_020937.4 (MANE Select); coding-DNA position 5048, A replaced by G.
Protein change: p.Lys1683Arg; replaces lysine 1683 with arginine.
Molecular consequence: missense variant.
Genome position (GRCh38, 1-based): chr14:45,189,070, A>G. VCF-style: chr14-45189070-A-G. GRCh37 (hg19) VCF-style: chr14-45658273-A-G.
Other names: c.4970A>G, p.Lys1657Arg (NM_001308133.2); short protein forms K1657R, K1683R.
Identifiers: ClinVar variation 1302380 (VCV001302380.11), dbSNP rs763454366, ClinGen allele CA7169895.
Genomic context (GRCh38, chr14:45,189,070, plus strand): 5'-AATTATCCAGAATTATTTTACCAGATGATTCAAGTGAGGAGGAGAACAATGTAAATGATA[A>G]AAGAGAATCTAATATTGCGGTTAACCCAAGCACTGTTAAGAAGAACAAACAACAGGACCA-3'
Protein context (NP_065988.1, residues 1673-1693): SSEEENNVND[Lys1683Arg]RESNIAVNPS